The following is an entry in ClinVar:

ClinVar aggregate classification (germline): Uncertain significance (1 of 4 stars; one submission).

Submission:

Labcorp Genetics (formerly Invitae), Labcorp
Classification: Uncertain significance. Last evaluated: 2021-08-19. Review status: criteria provided, single submitter. Criteria: Invitae Variant Classification Sherloc (09022015). Collection method: clinical testing. Allele origin: germline.
Comment: In summary, the available evidence is currently insufficient to determine the role of this variant in disease. Therefore, it has been classified as a Variant of Uncertain Significance. Algorithms developed to predict the effect of missense changes on protein structure and function are either unavailable or do not agree on the potential impact of this missense change (SIFT: "Tolerated"; PolyPhen-2: "Possibly Damaging"; Align-GVGD: "Class C0"). This variant has not been reported in the literature in individuals affected with ATR-related conditions. This variant is not present in population databases (ExAC no frequency). This sequence change replaces threonine with isoleucine at codon 2443 of the ATR protein (p.Thr2443Ile). The threonine residue is moderately conserved and there is a moderate physicochemical difference between threonine and isoleucine.

NM_001184.4(ATR):c.7328C>T (p.Thr2443Ile)

Gene: ATR (ATR checkpoint kinase; minus strand). Cytogenetic location: 3q23.
Variant type: single nucleotide variant.
Coding change: c.7328C>T on transcript NM_001184.4 (MANE Select); coding-DNA position 7328, C replaced by T.
Protein change: p.Thr2443Ile; replaces threonine 2443 with isoleucine.
Molecular consequence: missense variant.
Genome position (GRCh38, 1-based): chr3:142,459,248, G>A on the plus strand (C>T on the coding strand, the complement: ATR is on the minus strand). VCF-style: chr3-142459248-G-A. GRCh37 (hg19) VCF-style: chr3-142178090-G-A.
Other names: c.7136C>T, p.Thr2379Ile (NM_001354579.2); short protein forms T2379I, T2443I.
Identifiers: ClinVar variation 1376151 (VCV001376151.6), dbSNP rs2108261387, ClinGen allele CA354796537.